The following is an entry in ClinVar:

ClinVar aggregate classification (germline): Uncertain significance. Review status: criteria provided, multiple submitters, no conflicts (2 of 4 stars). 10 submissions from 10 submitters: Uncertain significance (10). Last evaluated 2025-12-09.

Conditions:
Familial pancreatic carcinoma. Identifiers: Orphanet 1333, MedGen C2931038, MONDO:0015278, OMIM 260350.
Peutz-Jeghers syndrome (PJS). Also called: Peutz-Jeghers polyposis; Periorificial lentiginosis syndrome; POLYPOSIS, HAMARTOMATOUS INTESTINAL; POLYPS-AND-SPOTS SYNDROME. Identifiers: Orphanet 2869, MedGen C0031269, MeSH D010580, MONDO:0008280, OMIM 175200.
Hereditary cancer-predisposing syndrome. Also called: Neoplastic Syndromes, Hereditary; Hereditary Cancer Syndrome; Hereditary neoplastic syndrome; Tumor predisposition. Identifiers: Orphanet 140162, MedGen C0027672, MeSH D009386, MONDO:0015356.
Breast and/or ovarian cancer. Identifiers: MedGen CN221562.

Allele frequency attached by ClinVar (database versions not stated): gnomAD exomes 0.00001.
gnomAD v4.1: 9 of 1,613,804 alleles (0.00056%); highest among the groups gnomAD compares: Non-Finnish European, 0.00059%; no homozygotes.

Submissions (10):

Ambry Genetics
Classification: Uncertain significance for Hereditary cancer-predisposing syndrome. Last evaluated: 2025-12-09. Review status: criteria provided, single submitter. Criteria: Ambry Variant Classification Scheme 2023. Collection method: clinical testing. Allele origin: germline.
Comment: The p.P38A variant (also known as c.112C>G), located in coding exon 1 of the STK11 gene, results from a C to G substitution at nucleotide position 112. The proline at codon 38 is replaced by alanine, an amino acid with highly similar properties. This variant was reported in a cohort of 60,466 breast cancer cases (Dorling et al. N Engl J Med. 2021 02;384:428-439). This amino acid position is highly conserved in available vertebrate species. In addition, the in silico prediction for this alteration is inconclusive. Since supporting evidence is limited at this time, the clinical significance of this alteration remains unclear.

Labcorp Genetics (formerly Invitae), Labcorp
Classification: Uncertain significance for Peutz-Jeghers syndrome. Last evaluated: 2025-10-06. Review status: criteria provided, single submitter. Criteria: Invitae Variant Classification Sherloc (09022015). Collection method: clinical testing. Allele origin: germline.
Comment: This sequence change replaces proline, which is neutral and non-polar, with alanine, which is neutral and non-polar, at codon 38 of the STK11 protein (p.Pro38Ala). This variant is not present in population databases (gnomAD no frequency). This variant has not been reported in the literature in individuals affected with STK11-related conditions. ClinVar contains an entry for this variant (Variation ID: 458014). Invitae Evidence Modeling of protein sequence and biophysical properties (such as structural, functional, and spatial information, amino acid conservation, physicochemical variation, residue mobility, and thermodynamic stability) has been performed for this missense variant. However, the output from this modeling did not meet the statistical confidence thresholds required to predict the impact of this variant on STK11 protein function. In summary, the available evidence is currently insufficient to determine the role of this variant in disease. Therefore, it has been classified as a Variant of Uncertain Significance.

Color Diagnostics, LLC DBA Color Health
Classification: Uncertain significance for Hereditary cancer-predisposing syndrome. Last evaluated: 2025-07-14. Review status: criteria provided, single submitter. Criteria: ACMG Guidelines, 2015. Collection method: clinical testing. Allele origin: germline.
Comment: This missense variant replaces proline with alanine at codon 38 of the STK11 protein. Computational prediction suggests that this variant may not impact protein structure and function. To our knowledge, functional studies have not been reported for this variant. This variant has not been reported in individuals affected with STK11-related disorders in the literature. This variant has not been identified in the general population by the Genome Aggregation Database (gnomAD). The available evidence is insufficient to determine the role of this variant in disease conclusively. Therefore, this variant is classified as a Variant of Uncertain Significance.

Blueprint Genetics
Classification: Uncertain significance. Last evaluated: 2024-03-05. Review status: criteria provided, single submitter. Criteria: ACMG Guidelines, 2015. Collection method: clinical testing. Allele origin: germline.

GeneDx
Classification: Uncertain significance. Last evaluated: 2023-12-28. Review status: criteria provided, single submitter. Criteria: GeneDx Variant Classification Process June 2021. Collection method: clinical testing. Allele origin: germline. Affected: yes.
Comment: Not observed at significant frequency in large population cohorts (gnomAD); In silico analysis supports that this missense variant does not alter protein structure/function; Observed in an individual with breast cancer (PMID: 33471991); This variant is associated with the following publications: (PMID: 33471991)

All of Us Research Program, National Institutes of Health
Classification: Uncertain significance for Peutz-Jeghers syndrome. Last evaluated: 2023-08-23. Review status: criteria provided, single submitter. Criteria: ACMG Guidelines, 2015. Collection method: clinical testing. Allele origin: germline. Inheritance: Autosomal dominant inheritance. Observed: 1 variant allele, 1 heterozygote.
Comment: This missense variant replaces proline with alanine at codon 38 of the STK11 protein. Computational prediction suggests that this variant may not impact protein structure and function (internally defined REVEL score threshold <= 0.5, PMID: 27666373). To our knowledge, functional studies have not been reported for this variant. This variant has not been reported in individuals affected with hereditary cancer in the literature. This variant has not been identified in the general population by the Genome Aggregation Database (gnomAD). The available evidence is insufficient to determine the role of this variant in disease conclusively. Therefore, this variant is classified as a Variant of Uncertain Significance.

This study involves interpretation of variants in research participants for the purpose of population health screening. Participant phenotype was not available at the time of variant classification. Additional details can be found in publication PMID: 35346344, PMCID: PMC8962531

Department of Pathology and Laboratory Medicine, Sinai Health System
Classification: Uncertain significance for Peutz-Jeghers syndrome; Familial pancreatic carcinoma. Last evaluated: 2023-02-28. Review status: criteria provided, single submitter. Criteria: ACMG Guidelines, 2015. Collection method: clinical testing. Allele origin: germline. Affected: yes.

CHEO Genetics Diagnostic Laboratory, Children's Hospital of Eastern Ontario
Classification: Uncertain significance for Breast and/or ovarian cancer. Last evaluated: 2022-11-03. Review status: criteria provided, single submitter. Criteria: ACMG Guidelines, 2015. Collection method: clinical testing. Allele origin: germline.

Sema4
Classification: Uncertain significance for Hereditary cancer-predisposing syndrome. Last evaluated: 2021-08-18. Review status: criteria provided, single submitter. Criteria: Sema4 Curation Guidelines. Collection method: curation. Allele origin: germline.
Comment: The STK11 c.112C>G (p.P38A) variant has been reported in heterozygosity in at least one individual with breast cancer (PMID: 33471991). It was not observed in the large and broad cohorts of the Genome Aggregation Database. The variant has been reported in ClinVar (Variation ID 458014). Functional studies have not been performed, and in silico predictions of the variant's effect on protein function are inconclusive. The evidence is insufficient to meet ACMG/AMP criteria for classifying the variant as benign or pathogenic. Thus, the clinical significance of this variant is currently uncertain.

Genome-Nilou Lab
Classification: Uncertain significance for Peutz-Jeghers syndrome. Last evaluated: 2021-07-15. Review status: criteria provided, single submitter. Criteria: ACMG Guidelines, 2015. Collection method: clinical testing. Allele origin: germline. Affected: no.

Literature cited by the submitters: PubMed 33471991 (cited by 3 submitters).

NM_000455.5(STK11):c.112C>G (p.Pro38Ala)

Gene: STK11 (serine/threonine kinase 11; plus strand). Cytogenetic location: 19p13.3.
Variant type: single nucleotide variant.
Coding change: c.112C>G on transcript NM_000455.5 (MANE Select); coding-DNA position 112, C replaced by G.
Protein change: p.Pro38Ala; replaces proline 38 with alanine.
Molecular consequence: missense variant.
Genome position (GRCh38, 1-based): chr19:1,207,025, C>G. VCF-style: chr19-1207025-C-G. GRCh37 (hg19) VCF-style: chr19-1207024-C-G.
Other names: short protein forms P38A.
Identifiers: ClinVar variation 458014 (VCV000458014.30), dbSNP rs1060499954, ClinGen allele CA089242.